The following is an entry in ClinVar:

NM_000032.5(ALAS2):c.1550G>A (p.Arg517His)

Gene: ALAS2 (5'-aminolevulinate synthase 2; minus strand). Cytogenetic location: Xp11.21.
Variant type: single nucleotide variant.
Coding change: c.1550G>A on transcript NM_000032.5 (MANE Select); coding-DNA position 1550, G replaced by A.
Protein change: p.Arg517His; replaces arginine 517 with histidine.
Molecular consequence: missense variant.
Genome position (GRCh38, 1-based): chrX:55,013,536, C>T on the plus strand (G>A on the coding strand, the complement: ALAS2 is on the minus strand). VCF-style: chrX-55013536-C-T. GRCh37 (hg19) VCF-style: chrX-55039969-C-T.
Other names: p.Arg517His; c.1439G>A, p.Arg480His (NM_001037967.4); c.1511G>A, p.Arg504His (NM_001037968.4); short protein forms R504H, R480H, R517H.
Identifiers: ClinVar variation 4542488 (VCV004542488.2).

ClinVar aggregate classification (germline): Conflicting classifications of pathogenicity. Review status: criteria provided, conflicting classifications (1 of 4 stars). 2 submissions from 2 submitters: Likely pathogenic (1); Uncertain significance (1). Last evaluated 2025-07-21.

gnomAD v4.1: 1 of 1,211,310 alleles (0.000083%); highest among the groups gnomAD compares: Non-Finnish European, 0.00011%; no homozygotes.

Submissions (2):

ARUP Laboratories, Molecular Genetics and Genomics, ARUP Laboratories
Classification: Likely pathogenic. Last evaluated: 2025-07-21. Review status: criteria provided, single submitter. Criteria: ARUP Molecular Germline Variant Investigation Process 2024. Collection method: clinical testing. Allele origin: germline.
Comment: The ALAS2 c.1550G>A; p.Arg517His variant is reported in the literature in an individual with sideroblastic anemia with parental testing suggesting a de novo origin (Ding 2023). This variant is absent from the Genome Aggregation Database (v2.1.1), indicating it is not a common polymorphism. Computational analyses predict that this variant is deleterious (REVEL: 0.968). Additionally, several other variants at this codon (p.Arg517Gly, p.Arg517Cys) have been reported in individuals with sideroblastic anemia and are considered disease-causing (Bergmann 2010, Harigae 2010). Based on available information, the p.Arg517His variant is considered to be likely pathogenic. References: Bergmann AK et al. Systematic molecular genetic analysis of congenital sideroblastic anemia: evidence for genetic heterogeneity and identification of novel mutations. Pediatr Blood Cancer. 2010 Feb;54(2):273-8. PMID: 19731322. Ding Y et al. A Novel ALAS2 Mutation Causes Congenital Sideroblastic Anemia. Mediterr J Hematol Infect Dis. 2023 PMID: 38028395. Harigae H and Furuyama K. Hereditary sideroblastic anemia: pathophysiology and gene mutations. Int J Hematol. 2010 Oct;92(3):425-31. PMID: 20848343

Mayo Clinic Laboratories, Mayo Clinic
Classification: Uncertain significance. Last evaluated: 2024-10-07. Review status: criteria provided, single submitter. Criteria: ACMG Guidelines, 2015. Collection method: clinical testing. Allele origin: germline. Observed: 1 variant allele.
Comment: PP3, PP4, PM2_supporting, PM6

Literature cited by the submitters: PubMed 38028395 (cited by Mayo Clinic Laboratories, Mayo Clinic).